The following is an entry in ClinVar:

NM_001287.6(CLCN7):c.1288G>A (p.Val430Met)

Gene: CLCN7 (chloride voltage-gated channel 7; minus strand). Cytogenetic location: 16p13.3.
Variant type: single nucleotide variant.
Coding change: c.1288G>A on transcript NM_001287.6 (MANE Select); coding-DNA position 1288, G replaced by A.
Protein change: p.Val430Met; replaces valine 430 with methionine.
Molecular consequence: missense variant.
Genome position (GRCh38, 1-based): chr16:1,452,820, C>T on the plus strand (G>A on the coding strand, the complement: CLCN7 is on the minus strand). VCF-style: chr16-1452820-C-T. GRCh37 (hg19) VCF-style: chr16-1502821-C-T.
Other names: c.1216G>A, p.Val406Met (NM_001114331.3); short protein forms V406M, V430M.
Identifiers: ClinVar variation 1492837 (VCV001492837.6), dbSNP rs767504116, ClinGen allele CA7810335.

ClinVar aggregate classification (germline): Uncertain significance (1 of 4 stars; one submission).

Submission:

Labcorp Genetics (formerly Invitae), Labcorp
Classification: Uncertain significance. Last evaluated: 2023-07-19. Review status: criteria provided, single submitter. Criteria: Invitae Variant Classification Sherloc (09022015). Collection method: clinical testing. Allele origin: germline.
Comment: The frequency data for this variant in the population databases is considered unreliable, as metrics indicate poor data quality at this position in the gnomAD database. This variant has not been reported in the literature in individuals affected with CLCN7-related conditions. ClinVar contains an entry for this variant (Variation ID: 1492837). An algorithm developed to predict the effect of missense changes on protein structure and function (PolyPhen-2) suggests that this variant is likely to be tolerated. In summary, the available evidence is currently insufficient to determine the role of this variant in disease. Therefore, it has been classified as a Variant of Uncertain Significance. This sequence change replaces valine, which is neutral and non-polar, with methionine, which is neutral and non-polar, at codon 430 of the CLCN7 protein (p.Val430Met).